The following is an entry in ClinVar:

ClinVar aggregate classification (germline): Uncertain significance (1 of 4 stars; one submission).

Conditions:
Hereditary cancer-predisposing syndrome. Also called: Neoplastic Syndromes, Hereditary; Tumor predisposition; Hereditary neoplastic syndrome; Hereditary Cancer Syndrome. Identifiers: Orphanet 140162, MedGen C0027672, MeSH D009386, MONDO:0015356.

Submission:

Ambry Genetics
Classification: Uncertain significance for Hereditary cancer-predisposing syndrome. Last evaluated: 2023-10-29. Review status: criteria provided, single submitter. Criteria: Ambry Variant Classification Scheme 2023. Collection method: clinical testing. Allele origin: germline.
Comment: The p.K887E variant (also known as c.2659A>G), located in coding exon 18 of the BRIP1 gene, results from an A to G substitution at nucleotide position 2659. The lysine at codon 887 is replaced by glutamic acid, an amino acid with similar properties. This amino acid position is conserved. In addition, this alteration is predicted to be tolerated by in silico analysis. Since supporting evidence is limited at this time, the clinical significance of this alteration remains unclear.

NM_032043.3(BRIP1):c.2659A>G (p.Lys887Glu)

Gene: BRIP1 (BRCA1 interacting DNA helicase 1; minus strand). Cytogenetic location: 17q23.2.
Variant type: single nucleotide variant.
Coding change: c.2659A>G on transcript NM_032043.3 (MANE Select); coding-DNA position 2659, A replaced by G.
Protein change: p.Lys887Glu; replaces lysine 887 with glutamic acid.
Molecular consequence: missense variant.
Genome position (GRCh38, 1-based): chr17:61,686,082, T>C on the plus strand (A>G on the coding strand, the complement: BRIP1 is on the minus strand). VCF-style: chr17-61686082-T-C. GRCh37 (hg19) VCF-style: chr17-59763443-T-C.
Other names: short protein forms K887E.
Identifiers: ClinVar variation 3228111 (VCV003228111.1), dbSNP rs2144116166, ClinGen allele CA400481842.